The following is an entry in ClinVar:

NM_001377.3(DYNC2H1):c.6893+3A>G

Gene: DYNC2H1 (dynein cytoplasmic 2 heavy chain 1; plus strand). Cytogenetic location: 11q22.3.
Variant type: single nucleotide variant.
Coding change: c.6893+3A>G on transcript NM_001377.3 (MANE Select); 3 bases into the intron after coding-DNA position 6893, A replaced by G.
Molecular consequence: intron variant.
Genome position (GRCh38, 1-based): chr11:103,186,504, A>G. VCF-style: chr11-103186504-A-G. GRCh37 (hg19) VCF-style: chr11-103057233-A-G.
Other names: c.6893+3A>G (NM_001080463.2).
Identifiers: ClinVar variation 3668133 (VCV003668133.2).
Genomic context (GRCh38, chr11:103,186,504, plus strand): 5'-TAAGTTCTGATACTAAACAGCCCTTTATTCTGGTAGGACCAGAAGGATGTGGCAAAGGGT[A>G]AGAAAAATATTGGCAAAGGTATATGTTGTGGATTTATTCCTGCCGCCCCTAATTGATTTA-3'

ClinVar aggregate classification (germline): Uncertain significance (1 of 4 stars; one submission).

Conditions:
Jeune thoracic dystrophy. Also called: Jeune syndrome; Infantile thoracic dystrophy; Thoracic pelvic phalangeal dystrophy; Jeune's syndrome; Chondroectodermal dysplasia-like syndrome; Short-rib thoracic dysplasia. Identifiers: Orphanet 474, MedGen C0265275, MONDO:0018770.

Submission:

Labcorp Genetics (formerly Invitae), Labcorp
Classification: Uncertain significance for Jeune thoracic dystrophy. Last evaluated: 2024-09-15. Review status: criteria provided, single submitter. Criteria: Invitae Variant Classification Sherloc (09022015). Collection method: clinical testing. Allele origin: germline.
Comment: This sequence change falls in intron 42 of the DYNC2H1 gene. It does not directly change the encoded amino acid sequence of the DYNC2H1 protein. It affects a nucleotide within the consensus splice site. This variant is not present in population databases (gnomAD no frequency). This variant has not been reported in the literature in individuals affected with DYNC2H1-related conditions. Variants that disrupt the consensus splice site are a relatively common cause of aberrant splicing (PMID: 17576681, 9536098). Algorithms developed to predict the effect of sequence changes on RNA splicing suggest that this variant may disrupt the consensus splice site. In summary, the available evidence is currently insufficient to determine the role of this variant in disease. Therefore, it has been classified as a Variant of Uncertain Significance.

Literature cited by the submitters: PubMed 17576681; PubMed 9536098.